The following is an entry in ClinVar:

NM_000782.5(CYP24A1):c.93G>A (p.Thr31=)

Gene: CYP24A1 (cytochrome P450 family 24 subfamily A member 1; minus strand). Cytogenetic location: 20q13.2.
Variant type: single nucleotide variant.
Coding change: c.93G>A on transcript NM_000782.5 (MANE Select); coding-DNA position 93, G replaced by A.
Protein change: p.Thr31=; no amino-acid change (threonine 31 retained).
Molecular consequence: synonymous variant.
Genome position (GRCh38, 1-based): chr20:54,173,487, C>T on the plus strand (G>A on the coding strand, the complement: CYP24A1 is on the minus strand). VCF-style: chr20-54173487-C-T. GRCh37 (hg19) VCF-style: chr20-52790026-C-T.
Other names: c.93G>A, p.Thr31= (NM_001128915.2).
Identifiers: ClinVar variation 1336601 (VCV001336601.13), dbSNP rs151204685, ClinGen allele CA9916278.
Genomic context (GRCh38, chr20:54,173,487, plus strand): 5'-CTCGCCACCAGCTGTCAGCGGGCAGACTGGCACCTCTCGCGGCTGAGGGGACGTGTACGC[C>T]GTAGATGTCACCAGTCTCGGGGGCTGCCTCGGACTGCGCAGCTGCTGCAGGAAGGCGGCA-3'
Protein context (NP_000773.2, residues 21-41): PRQPPRLVTS[Thr31=]AYTSPQPREV

ClinVar aggregate classification (germline): Likely benign. Review status: criteria provided, multiple submitters, no conflicts (2 of 4 stars). 4 submissions from 4 submitters: Likely benign (4). Last evaluated 2026-01-19.

Conditions:
Hypercalcemia, infantile, 1 (HCINF1). Identifiers: Orphanet 300547, MedGen CN031131, MONDO:0020739, OMIM 143880.
CYP24A1-related disorder. Also called: CYP24A1-related condition.

Allele frequency attached by ClinVar (database versions not stated): gnomAD 0.00022 and 0.00023; TOPMed 0.00025; ESP Exome Variant Server 0.00039; 1000 Genomes Project 0.00040; 1000 Genomes Project 30x 0.00047; ExAC 0.00062.
gnomAD v4.1: 432 of 1,566,414 alleles (0.028%); highest among the groups gnomAD compares: Non-Finnish European, 0.035%; no homozygotes.

Submissions (4):

PreventionGenetics, part of Exact Sciences
Classification: Likely benign for CYP24A1-related condition. Last evaluated: 2026-01-19. Review status: criteria provided, single submitter. Criteria: ACMG Guidelines, 2015. Collection method: clinical testing. Allele origin: germline.
Comment: This variant is classified as likely benign based on ACMG/AMP sequence variant interpretation guidelines (Richards et al. 2015 PMID: 25741868, with internal and published modifications).

Labcorp Genetics (formerly Invitae), Labcorp
Classification: Likely benign. Last evaluated: 2025-11-16. Review status: criteria provided, single submitter. Criteria: Invitae Variant Classification Sherloc (09022015). Collection method: clinical testing. Allele origin: germline.

Fulgent Genetics
Classification: Likely benign for Hypercalcemia, infantile, 1. Last evaluated: 2021-07-08. Review status: criteria provided, single submitter. Criteria: ACMG Guidelines, 2015. Collection method: clinical testing. Allele origin: unknown.

Genetic Services Laboratory, University of Chicago
Classification: Likely benign. Last evaluated: 2018-03-28. Review status: criteria provided, single submitter. Criteria: ACMG Guidelines, 2015. Collection method: clinical testing. Allele origin: germline. Affected: no.